The following is an entry in ClinVar:

ClinVar aggregate classification (germline): Likely benign (1 of 4 stars; one submission).

Allele frequency attached by ClinVar (database versions not stated): gnomAD exomes below 0.00001; TOPMed below 0.00001; gnomAD 0.00001.
gnomAD v4.1: 9 of 1,613,974 alleles (0.00056%); highest among the groups gnomAD compares: Admixed American, 0.0067%; no homozygotes.

Submission:

CeGaT Center for Human Genetics Tuebingen
Classification: Likely benign. Last evaluated: 2022-12-01. Review status: criteria provided, single submitter. Criteria: CeGaT Center For Human Genetics Tuebingen Variant Classification Criteria Version 2. Collection method: clinical testing. Allele origin: germline. Affected: yes. Observed: 1 variant allele.
Comment: MUS81: BP4, BP7

NM_025128.5(MUS81):c.1477C>T (p.Leu493=)

Gene: MUS81 (MUS81 structure-specific endonuclease subunit; plus strand). Cytogenetic location: 11q13.1.
Variant type: single nucleotide variant.
Coding change: c.1477C>T on transcript NM_025128.5 (MANE Select); coding-DNA position 1477, C replaced by T.
Protein change: p.Leu493=; no amino-acid change (leucine 493 retained).
Molecular consequence: synonymous variant. On other transcripts: non-coding transcript variant (1).
Genome position (GRCh38, 1-based): chr11:65,865,295, C>T. VCF-style: chr11-65865295-C-T. GRCh37 (hg19) VCF-style: chr11-65632766-C-T.
Other names: c.1480C>T, p.Leu494= (NM_001350283.2).
Identifiers: ClinVar variation 2641974 (VCV002641974.24), dbSNP rs945655978, ClinGen allele CA224015086.